The following is an entry in ClinVar:

ClinVar aggregate classification (germline): Conflicting classifications of pathogenicity. Review status: criteria provided, conflicting classifications (1 of 4 stars). 3 submissions from 3 submitters: Uncertain significance (2); Likely benign (1). Last evaluated 2024-09-20.

Conditions:
3M syndrome 1. Also called: 3-M Syndrome, CUL7-Related. Identifiers: Orphanet 2616, MedGen C2678312, MONDO:0010117, OMIM 273750.
Inborn genetic diseases. Identifiers: MedGen C0950123, MeSH D030342.

Allele frequency attached by ClinVar (database versions not stated): ExAC 0.00006; gnomAD exomes 0.00008 and 0.00010; gnomAD 0.00009; TOPMed 0.00013.
gnomAD v4.1: 169 of 1,614,092 alleles (0.01%); highest among the groups gnomAD compares: Middle Eastern, 0.033%; no homozygotes.

Submissions (3):

3billion
Classification: Likely benign for 3M syndrome 1. Last evaluated: 2024-09-20. Review status: criteria provided, single submitter. Criteria: ACMG Guidelines, 2015. Collection method: clinical testing. Allele origin: germline. Affected: no.
Comment: The homozygous variant was found in patients diagnosed with another variant in a different gene, with no symptoms related to the gene containing the homozygous variant.

Labcorp Genetics (formerly Invitae), Labcorp
Classification: Uncertain significance. Last evaluated: 2024-08-09. Review status: criteria provided, single submitter. Criteria: Invitae Variant Classification Sherloc (09022015). Collection method: clinical testing. Allele origin: germline.
Comment: This sequence change replaces arginine, which is basic and polar, with glutamine, which is neutral and polar, at codon 183 of the CUL7 protein (p.Arg183Gln). This variant is present in population databases (rs200468701, gnomAD 0.01%). This variant has not been reported in the literature in individuals affected with CUL7-related conditions. ClinVar contains an entry for this variant (Variation ID: 1432801). An algorithm developed to predict the effect of missense changes on protein structure and function (PolyPhen-2) suggests that this variant¬†is likely to be tolerated. In summary, the available evidence is currently insufficient to determine the role of this variant in disease. Therefore, it has been classified as a Variant of Uncertain Significance.

Ambry Genetics
Classification: Uncertain significance for Inborn genetic diseases. Last evaluated: 2024-03-07. Review status: criteria provided, single submitter. Criteria: Ambry Variant Classification Scheme 2023. Collection method: clinical testing. Allele origin: germline.

NM_014780.5(CUL7):c.548G>A (p.Arg183Gln)

Gene: CUL7 (cullin 7; minus strand). Cytogenetic location: 6p21.1.
Variant type: single nucleotide variant.
Coding change: c.548G>A on transcript NM_014780.5 (MANE Select); coding-DNA position 548, G replaced by A.
Protein change: p.Arg183Gln; replaces arginine 183 with glutamine.
Molecular consequence: missense variant.
Genome position (GRCh38, 1-based): chr6:43,052,241, C>T on the plus strand (G>A on the coding strand, the complement: CUL7 is on the minus strand). VCF-style: chr6-43052241-C-T. GRCh37 (hg19) VCF-style: chr6-43019979-C-T.
Other names: c.548G>A (NM_014780.4); c.548G>A, p.Arg183Gln (NM_001168370.2, NM_001374872.1, NM_001374873.1 and 1 more transcripts); short protein forms R183Q.
Identifiers: ClinVar variation 1432801 (VCV001432801.8), dbSNP rs200468701, ClinGen allele CA3814373.